The following is an entry in ClinVar:

NM_000022.4(ADA):c.821C>T (p.Pro274Leu)

Gene: ADA (adenosine deaminase; minus strand). Cytogenetic location: 20q13.12.
Variant type: single nucleotide variant.
Coding change: c.821C>T on transcript NM_000022.4 (MANE Select); coding-DNA position 821, C replaced by T.
Protein change: p.Pro274Leu; replaces proline 274 with leucine.
Molecular consequence: missense variant.
Genome position (GRCh38, 1-based): chr20:44,622,612, G>A on the plus strand (C>T on the coding strand, the complement: ADA is on the minus strand). VCF-style: chr20-44622612-G-A. GRCh37 (hg19) VCF-style: chr20-43251253-G-A.
Other names: c.416C>T, p.Pro139Leu (NM_001322050.2); c.749C>T, p.Pro250Leu (NM_001322051.2); short protein forms P274L, P139L, P250L.
Identifiers: ClinVar variation 1964 (VCV000001964.13), dbSNP rs121908738, ClinGen allele CA115283.

ClinVar aggregate classification (germline): Uncertain significance. Review status: criteria provided, multiple submitters, no conflicts (2 of 4 stars). 7 submissions from 7 submitters: Uncertain significance (3). 4 of the submissions do not count toward it. Last evaluated 2026-01-26.

Conditions:
Severe combined immunodeficiency, autosomal recessive, T cell-negative, B cell-negative, NK cell-negative, due to adenosine deaminase deficiency. Also called: ADA-SCID; Adenosine Deaminase Deficiency; SCID DUE TO ADA DEFICIENCY; SCID DUE TO ADA DEFICIENCY, EARLY-ONSET; ADA deficiency; Adenosine deaminase deficient severe combined immunodeficiency. Identifiers: Orphanet 277, MedGen C0392607, MONDO:0007064, OMIM 102700.
Partial adenosine deaminase deficiency. Also called: PARTIAL ADA DEFICIENCY. Identifiers: MedGen C1863239.

Allele frequency attached by ClinVar (database versions not stated): gnomAD exomes 0.00001 and 0.00004; TOPMed 0.00003; ExAC 0.00007; gnomAD 0.00007; 1000 Genomes Project 0.00020; 1000 Genomes Project 30x 0.00031.
gnomAD v4.1: 19 of 1,614,218 alleles (0.0012%); highest among the groups gnomAD compares: African/African-American, 0.016%; no homozygotes.

Submissions (7):

Labcorp Genetics (formerly Invitae), Labcorp
Classification: Uncertain significance for Severe combined immunodeficiency, autosomal recessive, T cell-negative, B cell-negative, NK cell-negative, due to adenosine deaminase deficiency. Last evaluated: 2026-01-26. Review status: criteria provided, single submitter. Criteria: Invitae Variant Classification Sherloc (09022015). Collection method: clinical testing. Allele origin: germline.
Comment: This sequence change replaces proline, which is neutral and non-polar, with leucine, which is neutral and non-polar, at codon 274 of the ADA protein (p.Pro274Leu). This variant is present in population databases (rs121908738, gnomAD 0.02%). This missense change has been observed in individual(s) with partial adenosine deaminase deficiency or suspected primary immunodeficiency (PMID: 2166947, 32888943, 36790564). ClinVar contains an entry for this variant (Variation ID: 1964). Invitae Evidence Modeling of protein sequence and biophysical properties (such as structural, functional, and spatial information, amino acid conservation, physicochemical variation, residue mobility, and thermodynamic stability) indicates that this missense variant is not expected to disrupt ADA protein function with a negative predictive value of 80%. Experimental studies are conflicting or provide insufficient evidence to determine the effect of this variant on ADA function (PMID: 2166947). In summary, the available evidence is currently insufficient to determine the role of this variant in disease. Therefore, it has been classified as a Variant of Uncertain Significance.

Women's Health and Genetics/Laboratory Corporation of America, LabCorp
Classification: Uncertain significance. Last evaluated: 2025-07-24. Review status: criteria provided, single submitter. Criteria: LabCorp Variant Classification Summary - May 2015. Collection method: clinical testing. Allele origin: germline.
Comment: Variant summary: ADA c.821C>T (p.Pro274Leu) results in a non-conservative amino acid change in the encoded protein sequence. Algorithms developed to predict the effect of missense changes on protein structure and function all suggest that this variant is likely to be disruptive. The variant allele was found at a frequency of 4.4e-05 in 251358 control chromosomes. This frequency is not significantly higher than estimated for a pathogenic variant in ADA causing Severe Combined Immunodeficiency (4.4e-05 vs 0.0035), allowing no conclusion about variant significance. c.821C>T has been observed in individual(s) affected with Severe Combined Immunodeficiency and related conditions (Azizi_2023, Hirschhorn_1990, Platt_2021). These data indicate that the variant may be associated with disease. To our knowledge, no experimental evidence demonstrating an impact on protein function has been reported. The following publications have been ascertained in the context of this evaluation (PMID: 36790564, 2166947, 32888943). ClinVar contains an entry for this variant (Variation ID: 1964). Based on the evidence outlined above, the variant was classified as VUS-possibly pathogenic.

Genome-Nilou Lab
Classification: Uncertain significance for Severe combined immunodeficiency, autosomal recessive, T cell-negative, B cell-negative, NK cell-negative, due to adenosine deaminase deficiency. Last evaluated: 2021-09-05. Review status: criteria provided, single submitter. Criteria: ACMG Guidelines, 2015. Collection method: clinical testing. Allele origin: germline. Affected: no.

Natera, Inc.
Classification: Uncertain significance for Severe combined immunodeficiency due to ADA deficiency. Last evaluated: 2020-05-11. Review status: no assertion criteria provided. Collection method: clinical testing. Allele origin: germline. Not counted in ClinVar's aggregate classification.

Counsyl
Classification: Uncertain significance for Severe combined immunodeficiency, autosomal recessive, T cell-negative, B cell-negative, NK cell-negative, due to adenosine deaminase deficiency. Last evaluated: 2017-07-24. Review status: no assertion criteria provided. Collection method: clinical testing. Allele origin: unknown. Not counted in ClinVar's aggregate classification.

OMIM
Classification: Pathogenic for ADENOSINE DEAMINASE DEFICIENCY, PARTIAL. Last evaluated: 1990-08-01. Review status: no assertion criteria provided. Collection method: literature only. Allele origin: germline. Not counted in ClinVar's aggregate classification.

UniProtKB/Swiss-Prot
No classification provided. Condition: Severe combined immunodeficiency due to ADA deficiency. Review status: no classification provided. Collection method: not provided. Allele origin: unknown. Not counted in ClinVar's aggregate classification.

Literature cited by the submitters: PubMed 2166947 (cited by 4 submitters); PubMed 32888943 (cited by Labcorp Genetics (formerly Invitae), Labcorp and Women's Health and Genetics/Laboratory Corporation of America, LabCorp); PubMed 36790564 (cited by Labcorp Genetics (formerly Invitae), Labcorp and Women's Health and Genetics/Laboratory Corporation of America, LabCorp); PubMed 8258146 (cited by Women's Health and Genetics/Laboratory Corporation of America, LabCorp); PubMed 9225964 (cited by Women's Health and Genetics/Laboratory Corporation of America, LabCorp); PubMed 7554472 (cited by Women's Health and Genetics/Laboratory Corporation of America, LabCorp); PubMed 8433873 (cited by Women's Health and Genetics/Laboratory Corporation of America, LabCorp).